The following is an entry in ClinVar:

NM_000088.4(COL1A1):c.409C>A (p.Gln137Lys)

Gene: COL1A1 (collagen type I alpha 1 chain; minus strand). Cytogenetic location: 17q21.33.
Variant type: single nucleotide variant.
Coding change: c.409C>A on transcript NM_000088.4 (MANE Select); coding-DNA position 409, C replaced by A.
Protein change: p.Gln137Lys; replaces glutamine 137 with lysine.
Molecular consequence: missense variant.
Genome position (GRCh38, 1-based): chr17:50,199,288, G>T on the plus strand (C>A on the coding strand, the complement: COL1A1 is on the minus strand). VCF-style: chr17-50199288-G-T. GRCh37 (hg19) VCF-style: chr17-48276649-G-T.
Other names: short protein forms Q137K.
Identifiers: ClinVar variation 3495212 (VCV003495212.1).
Genomic context (GRCh38, chr17:50,199,288, plus strand): 5'-CTCCGAGGCCAGGGGGTCCGGGAGGTCCGGGGGGTCCGGGGGGTCCGGGAAGTCCAGGCT[G>T]TCCAGGGATGCCATCTCGGCCAGGGGGGCCTGCGGGTCCCTGCAGGGGGAGAGGGCGGGG-3'
Protein context (NP_000079.2, residues 127-147): GPPGRDGIPG[Gln137Lys]PGLPGPPGPP

ClinVar aggregate classification (germline): Uncertain significance (1 of 4 stars; one submission).

Conditions:
Cardiovascular phenotype. Identifiers: MedGen CN230736.

gnomAD v4.1: 1 of 1,533,704 alleles (0.000065%); highest among the groups gnomAD compares: African/African-American, 0.0014%; no homozygotes.

Submission:

Ambry Genetics
Classification: Uncertain significance for Cardiovascular phenotype. Last evaluated: 2024-09-19. Review status: criteria provided, single submitter. Criteria: Ambry Variant Classification Scheme 2023. Collection method: clinical testing. Allele origin: germline.
Comment: The p.Q137K variant (also known as c.409C>A), located in coding exon 5 of the COL1A1 gene, results from a C to A substitution at nucleotide position 409. The glutamine at codon 137 is replaced by lysine, an amino acid with similar properties. This amino acid position is well conserved in available vertebrate species. In addition, this alteration is predicted to be tolerated by in silico analysis. Based on the available evidence, the clinical significance of this variant remains unclear.